The following is an entry in ClinVar:

ClinVar aggregate classification (germline): Uncertain significance (1 of 4 stars; one submission).

Conditions:
Inborn genetic diseases. Identifiers: MedGen C0950123, MeSH D030342.

Submission:

Ambry Genetics
Classification: Uncertain significance for Inborn genetic diseases. Last evaluated: 2024-12-04. Review status: criteria provided, single submitter. Criteria: Ambry Variant Classification Scheme 2023. Collection method: clinical testing. Allele origin: germline.
Comment: The p.D962E variant (also known as c.2886T>A), located in coding exon 13 of the BMPR2 gene, results from a T to A substitution at nucleotide position 2886. The aspartic acid at codon 962 is replaced by glutamic acid, an amino acid with highly similar properties. This amino acid position is conserved. In addition, this alteration is predicted to be tolerated by in silico analysis. Based on the available evidence, the clinical significance of this variant remains unclear.

NM_001204.7(BMPR2):c.2886T>A (p.Asp962Glu)

Gene: BMPR2 (bone morphogenetic protein receptor type 2; plus strand). Cytogenetic location: 2q33.2.
Variant type: single nucleotide variant.
Coding change: c.2886T>A on transcript NM_001204.7 (MANE Select); coding-DNA position 2886, T replaced by A.
Protein change: p.Asp962Glu; replaces aspartic acid 962 with glutamic acid.
Molecular consequence: missense variant.
Genome position (GRCh38, 1-based): chr2:202,559,715, T>A. VCF-style: chr2-202559715-T-A. GRCh37 (hg19) VCF-style: chr2-203424438-T-A.
Other names: short protein forms D962E.
Identifiers: ClinVar variation 3481337 (VCV003481337.1).